The following is an entry in ClinVar:

NM_005027.4(PIK3R2):c.1216C>G (p.Arg406Gly)

Gene: PIK3R2 (phosphoinositide-3-kinase regulatory subunit 2; plus strand). Cytogenetic location: 19p13.11.
Variant type: single nucleotide variant.
Coding change: c.1216C>G on transcript NM_005027.4 (MANE Select); coding-DNA position 1216, C replaced by G.
Protein change: p.Arg406Gly; replaces arginine 406 with glycine.
Molecular consequence: missense variant. On other transcripts: non-coding transcript variant (2).
Genome position (GRCh38, 1-based): chr19:18,163,073, C>G. VCF-style: chr19-18163073-C-G. GRCh37 (hg19) VCF-style: chr19-18273883-C-G.
Other names: short protein forms R406G.
Identifiers: ClinVar variation 2682453 (VCV002682453.1), dbSNP rs149367522, ClinGen allele CA9306955.

ClinVar aggregate classification (germline): Uncertain significance (1 of 4 stars; one submission).

gnomAD v4.1: 2 of 1,613,744 alleles (0.00012%); highest among the groups gnomAD compares: African/African-American, 0.0027%; no homozygotes.

Submission:

Women's Health and Genetics/Laboratory Corporation of America, LabCorp
Classification: Uncertain significance. Last evaluated: 2023-11-10. Review status: criteria provided, single submitter. Criteria: LabCorp Variant Classification Summary - May 2015. Collection method: clinical testing. Allele origin: germline.
Comment: Variant summary: PIK3R2 c.1216C>G (p.Arg406Gly) results in a non-conservative amino acid change located in the SH2 domain (IPR000980) of the encoded protein sequence. Four of five in-silico tools predict a damaging effect of the variant on protein function. The variant allele was found at a frequency of 4e-06 in 251260 control chromosomes (gnomAD). The available data on variant occurrences in the general population are insufficient to allow any conclusion about variant significance. To our knowledge, no occurrence of c.1216C>G in individuals affected with Megalencephaly-Polymicrogyria Syndrome 1 and no experimental evidence demonstrating its impact on protein function have been reported. No submitters have cited clinical-significance assessments for this variant to ClinVar after 2014. Based on the evidence outlined above, the variant was classified as uncertain significance.